The following is an entry in ClinVar:

NM_001129.5(AEBP1):c.2676CAA[1] (p.Asn893del)

Gene: AEBP1 (AE binding protein 1; plus strand). Cytogenetic location: 7p13.
Variant type: Microsatellite.
Coding change: c.2676CAA[1] on transcript NM_001129.5 (MANE Select); one copy of the 3-base unit CAA starting at c.2676; the reference has two copies in a row; one copy, 3 bases deleted.
Protein change: p.Asn893del; deletes asparagine 893.
Genome position (GRCh38, 1-based): chr7:44,113,100-44,113,102, CAA deleted; deleting any 3 consecutive bases within chr7:44,113,095-44,113,102 gives the same sequence; the position shown is the placement nearest the transcript's 3' end. VCF-style (leftmost placement, unchanged base first): chr7-44113094-GAAC-G. GRCh37 (hg19) VCF-style: chr7-44152693-GAAC-G.
Other names: short protein forms N893del.
Identifiers: ClinVar variation 4895886 (VCV004895886.2).

ClinVar aggregate classification (germline): Uncertain significance. Review status: criteria provided, multiple submitters, no conflicts (2 of 4 stars). 2 submissions from 2 submitters: Uncertain significance (2). Last evaluated 2026-08-01.

Submissions (2):

CeGaT Center for Human Genetics Tuebingen
Classification: Uncertain significance. Last evaluated: 2026-08-01. Review status: criteria provided, single submitter. Criteria: CeGaT Center For Human Genetics Tuebingen Variant Classification Criteria Version 2. Collection method: clinical testing. Allele origin: germline. Affected: yes. Observed: 1 variant allele.
Comment: AEBP1: PM2, PM4:Supporting

Blueprint Genetics
Classification: Uncertain significance. Last evaluated: 2024-02-15. Review status: criteria provided, single submitter. Criteria: ACMG Guidelines, 2015. Collection method: clinical testing. Allele origin: germline.